The following is an entry in ClinVar:

NM_000179.3(MSH6):c.3602_3614del (p.Leu1201fs)

Gene: MSH6 (mutS homolog 6; plus strand). Cytogenetic location: 2p16.3.
Variant type: Deletion.
Coding change: c.3602_3614del on transcript NM_000179.3 (MANE Select); coding-DNA positions 3602 to 3614, 13 bases deleted (TCATGCATGCAAC).
Protein change: p.Leu1201fs; shifts the reading frame from leucine 1201.
Molecular consequence: frameshift variant. On other transcripts: non-coding transcript variant (5).
Genome position (GRCh38, 1-based): chr2:47,805,663-47,805,675, TCATGCATGCAAC deleted; deleting any 13 consecutive bases within chr2:47,805,661-47,805,675 gives the same sequence; the c. name uses the placement nearest the transcript's 3' end. VCF-style (leftmost placement, unchanged base first): chr2-47805660-TACTCATGCATGCA-T. GRCh37 (hg19) VCF-style: chr2-48032799-TACTCATGCATGCA-T.
Other names: c.3212_3224del, p.Leu1071fs (NM_001281492.2); c.2696_2708del, p.Leu899fs (NM_001281493.2, NM_001281494.2, NM_001406811.1 and 6 more transcripts); c.3698_3710del, p.Leu1233fs (NM_001406795.1, NM_001406802.1); c.3602_3614del, p.Leu1201fs (NM_001406796.1, NM_001406800.1, NM_001406808.1 and 1 more transcripts); c.3305_3317del, p.Leu1102fs (NM_001406797.1, NM_001406801.1, NM_001406805.1 and 10 more transcripts); c.3428_3440del, p.Leu1143fs (NM_001406798.1); c.3077_3089del, p.Leu1026fs (NM_001406799.1, NM_001406806.1, NM_001406807.1); c.2738_2750del, p.Leu913fs (NM_001406803.1); and 7 more; short protein forms L1026fs, L1071fs, L1102fs, L1143fs, L1145fs, L1175fs, L1201fs, L1203fs.
Identifiers: ClinVar variation 2673781 (VCV002673781.1), dbSNP rs2530823660, ClinGen allele CA2695200581.

ClinVar aggregate classification (germline): Pathogenic (1 of 4 stars; one submission).

Conditions:
Lynch syndrome 5 (LYNCH5). Also called: Colorectal cancer, hereditary nonpolyposis, type 5; Hereditary non-polyposis colorectal cancer, type 5. Identifiers: Orphanet 144, MedGen C1833477, MONDO:0013710, OMIM 614350. Disease mechanism: loss of function.

Submission:

Myriad Genetics, Inc.
Classification: Pathogenic for Lynch syndrome 5. Last evaluated: 2023-08-24. Review status: criteria provided, single submitter. Criteria: Myriad Autosomal Dominant, Autosomal Recessive and X-Linked Classification Criteria (2023). Collection method: clinical testing. Allele origin: unknown.
Comment: This variant is considered pathogenic. This variant creates a frameshift predicted to result in premature protein truncation.